The following is an entry in ClinVar:

ClinVar aggregate classification (germline): Likely benign. Review status: criteria provided, multiple submitters, no conflicts (2 of 4 stars). 2 submissions from 2 submitters: Likely benign (2). Last evaluated 2024-02-05.

Allele frequency attached by ClinVar (database versions not stated): ExAC 0.00006; gnomAD exomes 0.00006; ESP Exome Variant Server 0.00025; TOPMed 0.00025; gnomAD 0.00027 and 0.00029; 1000 Genomes Project 0.00060; 1000 Genomes Project 30x 0.00062.

Submissions (2):

Labcorp Genetics (formerly Invitae), Labcorp
Classification: Likely benign. Last evaluated: 2024-02-05. Review status: criteria provided, single submitter. Criteria: Invitae Variant Classification Sherloc (09022015). Collection method: clinical testing. Allele origin: germline.

GeneDx
Classification: Likely benign. Last evaluated: 2017-03-03. Review status: criteria provided, single submitter. Criteria: GeneDx Variant Classification (06012015). Collection method: clinical testing. Allele origin: germline. Affected: yes.
Comment: This variant is considered likely benign or benign based on one or more of the following criteria: it is a conservative change, it occurs at a poorly conserved position in the protein, it is predicted to be benign by multiple in silico algorithms, and/or has population frequency not consistent with disease.

NM_003742.4(ABCB11):c.1638+17A>T

Gene: ABCB11 (ATP binding cassette subfamily B member 11; minus strand). Cytogenetic location: 2q31.1.
Variant type: single nucleotide variant.
Coding change: c.1638+17A>T on transcript NM_003742.4 (MANE Select); 17 bases into the intron after coding-DNA position 1638, A replaced by T.
Molecular consequence: intron variant.
Genome position (GRCh38, 1-based): chr2:168,971,830, T>A on the plus strand (A>T on the coding strand, the complement: ABCB11 is on the minus strand). VCF-style: chr2-168971830-T-A. GRCh37 (hg19) VCF-style: chr2-169828340-T-A.
Other names: c.1638+17A>T (LRG_1199t1).
Identifiers: ClinVar variation 507542 (VCV000507542.4), dbSNP rs368613163, ClinGen allele CA1951512.